The following is an entry in ClinVar:

ClinVar aggregate classification (germline): Likely benign. Review status: criteria provided, multiple submitters, no conflicts (2 of 4 stars). 3 submissions from 3 submitters: Likely benign (3). Last evaluated 2026-04-01.

Allele frequency attached by ClinVar (database versions not stated): gnomAD exomes 0.00001.

Submissions (3):

CeGaT Center for Human Genetics Tuebingen
Classification: Likely benign. Last evaluated: 2026-04-01. Review status: criteria provided, single submitter. Criteria: CeGaT Center For Human Genetics Tuebingen Variant Classification Criteria Version 2. Collection method: clinical testing. Allele origin: germline. Affected: yes. Observed: 1 variant allele.
Comment: ICOSLG: BP4, BP7

Labcorp Genetics (formerly Invitae), Labcorp
Classification: Likely benign. Last evaluated: 2025-02-01. Review status: criteria provided, single submitter. Criteria: Invitae Variant Classification Sherloc (09022015). Collection method: clinical testing. Allele origin: germline.

Blueprint Genetics
Classification: Likely benign. Last evaluated: 2024-07-11. Review status: criteria provided, single submitter. Criteria: ACMG Guidelines, 2015. Collection method: clinical testing. Allele origin: germline.

NM_015259.6(ICOSLG):c.708C>T (p.Ile236=)

Gene: ICOSLG (inducible T cell costimulator ligand; minus strand). Cytogenetic location: 21q22.3.
Variant type: single nucleotide variant.
Coding change: c.708C>T on transcript NM_015259.6 (MANE Select); coding-DNA position 708, C replaced by T.
Protein change: p.Ile236=; no amino-acid change (isoleucine 236 retained).
Molecular consequence: synonymous variant.
Genome position (GRCh38, 1-based): chr21:44,231,434, G>A on the plus strand (C>T on the coding strand, the complement: ICOSLG is on the minus strand). VCF-style: chr21-44231434-G-A. GRCh37 (hg19) VCF-style: chr21-45651317-G-A.
Other names: c.708C>T, p.Ile236= (NM_001283050.2); c.357C>T, p.Ile119= (NM_001283051.2); c.453C>T, p.Ile151= (NM_001283052.2); c.627C>T, p.Ile209= (NM_001365759.2).
Identifiers: ClinVar variation 1550027 (VCV001550027.11), dbSNP rs569230948, ClinGen allele CA321495803.